The following is an entry in ClinVar:

ClinVar aggregate classification (germline): Uncertain significance (1 of 4 stars; one submission).

Submission:

Labcorp Genetics (formerly Invitae), Labcorp
Classification: Uncertain significance. Last evaluated: 2025-02-19. Review status: criteria provided, single submitter. Criteria: Invitae Variant Classification Sherloc (09022015). Collection method: clinical testing. Allele origin: germline.
Comment: This sequence change replaces serine with threonine at codon 1025 of the CEP250 protein (p.Ser1025Thr). The serine residue is moderately conserved and there is a small physicochemical difference between serine and threonine. This variant is not present in population databases (gnomAD no frequency). This variant has not been reported in the literature in individuals affected with CEP250-related conditions. ClinVar contains an entry for this variant (Variation ID: 1409294). An algorithm developed to predict the effect of missense changes on protein structure and function (PolyPhen-2) suggests that this variant is likely to be disruptive. In summary, the available evidence is currently insufficient to determine the role of this variant in disease. Therefore, it has been classified as a Variant of Uncertain Significance.

NM_007186.6(CEP250):c.3073T>A (p.Ser1025Thr)

Gene: CEP250 (centrosomal protein 250; plus strand). Cytogenetic location: 20q11.22.
Variant type: single nucleotide variant.
Coding change: c.3073T>A on transcript NM_007186.6 (MANE Select); coding-DNA position 3073, T replaced by A.
Protein change: p.Ser1025Thr; replaces serine 1025 with threonine.
Molecular consequence: missense variant.
Genome position (GRCh38, 1-based): chr20:35,494,563, T>A. VCF-style: chr20-35494563-T-A. GRCh37 (hg19) VCF-style: chr20-34082390-T-A.
Other names: c.1177T>A, p.Ser393Thr (NM_001318219.1); short protein forms S393T, S1025T.
Identifiers: ClinVar variation 1409294 (VCV001409294.6), dbSNP rs1228969350, ClinGen allele CA408741985.